The following is an entry in ClinVar:

ClinVar aggregate classification (germline): Benign (1 of 4 stars; one submission).

Allele frequency attached by ClinVar (database versions not stated): gnomAD 0.09423 and 0.08788; 1000 Genomes Project 0.09704; TOPMed 0.09883; 1000 Genomes Project 30x 0.10150.
gnomAD v4.1: 13,212 of 151,842 alleles (8.7%); highest among the groups gnomAD compares: African/African-American, 30%; 1,904 homozygotes.

Submission:

GeneDx
Classification: Benign. Last evaluated: 2018-06-14. Review status: criteria provided, single submitter. Criteria: GeneDx Variant Classification (06012015). Collection method: clinical testing. Allele origin: germline. Affected: yes.
Comment: This variant is considered likely benign or benign based on one or more of the following criteria: it is a conservative change, it occurs at a poorly conserved position in the protein, it is predicted to be benign by multiple in silico algorithms, and/or has population frequency not consistent with disease.

NM_000426.4(LAMA2):c.1885-206C>T

Gene: LAMA2 (laminin subunit alpha 2; plus strand). Cytogenetic location: 6q22.33.
Variant type: single nucleotide variant.
Coding change: c.1885-206C>T on transcript NM_000426.4 (MANE Select); 206 bases into the intron before coding-DNA position 1885, C replaced by T.
Molecular consequence: intron variant.
Genome position (GRCh38, 1-based): chr6:129,251,878, C>T. VCF-style: chr6-129251878-C-T. GRCh37 (hg19) VCF-style: chr6-129573023-C-T.
Other names: c.1885-206C>T (NM_001079823.2).
Identifiers: ClinVar variation 678258 (VCV000678258.1), dbSNP rs7767161, ClinGen allele CA146919167.